The following is an entry in ClinVar:

ClinVar aggregate classification (germline): Uncertain significance (1 of 4 stars; one submission).

gnomAD v4.1: 28 of 1,614,070 alleles (0.0017%); highest among the groups gnomAD compares: South Asian, 0.027%; no homozygotes.

Submission:

Labcorp Genetics (formerly Invitae), Labcorp
Classification: Uncertain significance. Last evaluated: 2022-03-29. Review status: criteria provided, single submitter. Criteria: Invitae Variant Classification Sherloc (09022015). Collection method: clinical testing. Allele origin: germline.
Comment: Algorithms developed to predict the effect of missense changes on protein structure and function are either unavailable or do not agree on the potential impact of this missense change (SIFT: "Deleterious"; PolyPhen-2: "Benign"; Align-GVGD: "Class C0"). In summary, the available evidence is currently insufficient to determine the role of this variant in disease. Therefore, it has been classified as a Variant of Uncertain Significance. This variant has not been reported in the literature in individuals affected with CNGA3-related conditions. This variant is present in population databases (rs149230055, gnomAD 0.01%). This sequence change replaces arginine, which is basic and polar, with leucine, which is neutral and non-polar, at codon 81 of the CNGA3 protein (p.Arg81Leu).

NM_001298.3(CNGA3):c.242G>T (p.Arg81Leu)

Gene: CNGA3 (cyclic nucleotide gated channel subunit alpha 3; plus strand). Cytogenetic location: 2q11.2.
Variant type: single nucleotide variant.
Coding change: c.242G>T on transcript NM_001298.3 (MANE Select); coding-DNA position 242, G replaced by T.
Protein change: p.Arg81Leu; replaces arginine 81 with leucine.
Molecular consequence: missense variant.
Genome position (GRCh38, 1-based): chr2:98,380,201, G>T. VCF-style: chr2-98380201-G-T. GRCh37 (hg19) VCF-style: chr2-98996664-G-T.
Other names: c.242G>T, p.Arg81Leu (NM_001079878.2); short protein forms R81L.
Identifiers: ClinVar variation 2064390 (VCV002064390.3), dbSNP rs149230055, ClinGen allele CA1793677.
Genomic context (GRCh38, chr2:98,380,201, plus strand): 5'-CTCCCTCTGGCTCAGTGCTTGTGTCACCTTCCAGGCTGTCGCGCCTCATCTTCTTGCTGC[G>T]CAGGTGGGCTGCCAGGCATGTGCACCACCAGGACCAGGGACCGGACTCTTTTCCTGATCG-3'
Protein context (NP_001289.1, residues 71-91): ARLSRLIFLL[Arg81Leu]RWAARHVHHQ